The following is an entry in ClinVar:

NM_001166108.2(PALLD):c.2162T>C (p.Phe721Ser)

Genes: CBR4 (carbonyl reductase 4; minus strand), PALLD (palladin, cytoskeletal associated protein; plus strand). Cytogenetic location: 4q32.3.
Variant type: single nucleotide variant.
Coding change: c.2162T>C on transcript NM_001166108.2 (MANE Select); coding-DNA position 2162, T replaced by C.
Protein change: p.Phe721Ser; replaces phenylalanine 721 with serine.
Molecular consequence: missense variant.
Genome position (GRCh38, 1-based): chr4:168,894,640, T>C. VCF-style: chr4-168894640-T-C. GRCh37 (hg19) VCF-style: chr4-169815791-T-C.
Other names: c.1016T>C, p.Phe339Ser (NM_001166109.2); c.701T>C, p.Phe234Ser (NM_001166110.2); c.41T>C, p.Phe14Ser (NM_001367567.1, NM_001367568.1, NM_001367569.1 and 1 more transcripts); c.2162T>C, p.Phe721Ser (NM_016081.4); short protein forms F234S, F14S, F339S, F721S.
Identifiers: ClinVar variation 3885332 (VCV003885332.1).

ClinVar aggregate classification (germline): Uncertain significance (1 of 4 stars; one submission).

Submission:

Ambry Genetics
Classification: Uncertain significance. Last evaluated: 2025-02-08. Review status: criteria provided, single submitter. Criteria: Ambry Variant Classification Scheme 2023. Collection method: clinical testing. Allele origin: germline.
Comment: The p.F234S variant (also known as c.701T>C), located in coding exon 3 of the PALLD gene, results from a T to C substitution at nucleotide position 701. The phenylalanine at codon 234 is replaced by serine, an amino acid with highly dissimilar properties. This amino acid position is conserved. In addition, the in silico prediction for this alteration is inconclusive. Based on the available evidence, the clinical significance of this variant remains unclear.